The following is an entry in ClinVar:

ClinVar aggregate classification (germline): Uncertain significance (1 of 4 stars; one submission).

Conditions:
Vitamin B2 deficiency. Identifiers: MedGen C0035528.

gnomAD v4.1: 11 of 1,613,740 alleles (0.00068%); highest among the groups gnomAD compares: Non-Finnish European, 0.00093%; no homozygotes.

Submission:

Labcorp Genetics (formerly Invitae), Labcorp
Classification: Uncertain significance for Vitamin B2 deficiency. Last evaluated: 2026-01-21. Review status: criteria provided, single submitter. Criteria: Invitae Variant Classification Sherloc (09022015). Collection method: clinical testing. Allele origin: germline.
Comment: This sequence change replaces leucine, which is neutral and non-polar, with proline, which is neutral and non-polar, at codon 399 of the SLC52A1 protein (p.Leu399Pro). This variant is present in population databases (rs377522935, gnomAD 0.0009%). This variant has not been reported in the literature in individuals affected with SLC52A1-related conditions. Invitae Evidence Modeling of protein sequence and biophysical properties (such as structural, functional, and spatial information, amino acid conservation, physicochemical variation, residue mobility, and thermodynamic stability) indicates that this missense variant is expected to disrupt SLC52A1 protein function with a positive predictive value of 80%. In summary, the available evidence is currently insufficient to determine the role of this variant in disease. Therefore, it has been classified as a Variant of Uncertain Significance.

NM_017986.4(SLC52A1):c.1196T>C (p.Leu399Pro)

Gene: SLC52A1 (solute carrier family 52 member 1; minus strand). Cytogenetic location: 17p13.2.
Variant type: single nucleotide variant.
Coding change: c.1196T>C on transcript NM_017986.4 (MANE Select); coding-DNA position 1196, T replaced by C.
Protein change: p.Leu399Pro; replaces leucine 399 with proline.
Molecular consequence: missense variant.
Genome position (GRCh38, 1-based): chr17:5,033,108, A>G on the plus strand (T>C on the coding strand, the complement: SLC52A1 is on the minus strand). VCF-style: chr17-5033108-A-G. GRCh37 (hg19) VCF-style: chr17-4936403-A-G.
Other names: c.1196T>C, p.Leu399Pro (NM_001104577.2); short protein forms L399P.
Identifiers: ClinVar variation 4799166 (VCV004799166.1).